The following is an entry in ClinVar:

NM_020436.5(SALL4):c.3062C>T (p.Ser1021Leu)

Gene: SALL4 (spalt like transcription factor 4; minus strand). Cytogenetic location: 20q13.2.
Variant type: single nucleotide variant.
Coding change: c.3062C>T on transcript NM_020436.5 (MANE Select); coding-DNA position 3062, C replaced by T.
Protein change: p.Ser1021Leu; replaces serine 1021 with leucine.
Molecular consequence: missense variant.
Genome position (GRCh38, 1-based): chr20:51,784,365, G>A on the plus strand (C>T on the coding strand, the complement: SALL4 is on the minus strand). VCF-style: chr20-51784365-G-A. GRCh37 (hg19) VCF-style: chr20-50400904-G-A.
Other names: c.1751C>T, p.Ser584Leu (NM_001318031.2); short protein forms S1021L, S584L.
Identifiers: ClinVar variation 2380344 (VCV002380344.8), dbSNP rs147732522, ClinGen allele CA9911933.

ClinVar aggregate classification (germline): Conflicting classifications of pathogenicity. Review status: criteria provided, conflicting classifications (1 of 4 stars). 5 submissions from 5 submitters: Uncertain significance (3); Likely benign (2). Last evaluated 2024-12-10.

Conditions:
Duane-radial ray syndrome (DRRS). Also called: ACRORENOOCULAR SYNDROME; DR SYNDROME; DUANE ANOMALY WITH RADIAL RAY ABNORMALITIES AND DEAFNESS; Okihiro Syndrome; Duane-Radial Ray Syndrome/Okihiro Syndrome; Duane-Radial Ray Syndrome (DRRS) / Okihiro Syndrome. Identifiers: Orphanet 93293, Orphanet 959, MedGen C1623209, MONDO:0011812, OMIM 607323. Disease mechanism: gain of function.
Oculootoradial syndrome (IVIC). Also called: RADIAL RAY DEFECTS, HEARING IMPAIRMENT, EXTERNAL OPHTHALMOPLEGIA, AND THROMBOCYTOPENIA; IVIC syndrome. Identifiers: Orphanet 2307, MedGen C1327918, MONDO:0007836, OMIM 147750.
Inborn genetic diseases. Identifiers: MedGen C0950123, MeSH D030342.

Allele frequency attached by ClinVar (database versions not stated): gnomAD exomes 0.00003; gnomAD 0.00006; TOPMed 0.00008; ExAC 0.00012; ESP Exome Variant Server 0.00015.
gnomAD v4.1: 60 of 1,614,032 alleles (0.0037%); highest among the groups gnomAD compares: Admixed American, 0.055%; no homozygotes.

Submissions (5):

GeneDx
Classification: Uncertain significance. Last evaluated: 2024-12-10. Review status: criteria provided, single submitter. Criteria: GeneDx Variant Classification Process June 2021. Collection method: clinical testing. Allele origin: germline.
Comment: In silico analysis supports that this missense variant has a deleterious effect on protein structure/function; Has not been previously published as pathogenic or benign to our knowledge

Blueprint Genetics
Classification: Likely benign. Last evaluated: 2024-10-02. Review status: criteria provided, single submitter. Criteria: ACMG Guidelines, 2015. Collection method: clinical testing. Allele origin: germline.

Labcorp Genetics (formerly Invitae), Labcorp
Classification: Likely benign for Duane-radial ray syndrome. Last evaluated: 2024-06-03. Review status: criteria provided, single submitter. Criteria: Invitae Variant Classification Sherloc (09022015). Collection method: clinical testing. Allele origin: germline.

Fulgent Genetics
Classification: Uncertain significance for Oculootoradial syndrome; Duane-radial ray syndrome. Last evaluated: 2024-01-02. Review status: criteria provided, single submitter. Criteria: ACMG Guidelines, 2015. Collection method: clinical testing. Allele origin: germline.

Ambry Genetics
Classification: Uncertain significance for Inborn genetic diseases. Last evaluated: 2021-07-09. Review status: criteria provided, single submitter. Criteria: Ambry Variant Classification Scheme 2023. Collection method: clinical testing. Allele origin: germline.